The following is an entry in ClinVar:

NM_001005242.3(PKP2):c.1597AGA[1] (p.Arg534del)

Gene: PKP2 (plakophilin 2; minus strand). Cytogenetic location: 12p11.21.
Variant type: Microsatellite.
Coding change: c.1597AGA[1] on transcript NM_001005242.3 (MANE Select); one copy of the 3-base unit AGA starting at c.1597; the reference has two copies in a row; one copy, 3 bases deleted.
Protein change: p.Arg534del; deletes arginine 534.
Molecular consequence: inframe deletion.
Genome position (GRCh38, 1-based): chr12:32,824,117-32,824,119, TCT deleted on the plus strand (AGA on the coding strand, the reverse complement: PKP2 is on the minus strand); deleting any 3 consecutive bases within chr12:32,824,117-32,824,122 gives the same sequence; the position shown is the placement nearest the transcript's 3' end. VCF-style (leftmost placement, unchanged base first): chr12-32824116-ATCT-A. GRCh37 (hg19) VCF-style: chr12-32977050-ATCT-A.
Other names: c.1732_1734del (NM_004572.4); c.1729AGA[1], p.Arg578del (NM_004572.4); short protein forms R534del, R578del.
Identifiers: ClinVar variation 918893 (VCV000918893.15), dbSNP rs1956409943, ClinGen allele CA1139662564.

ClinVar aggregate classification (germline): Uncertain significance. Review status: criteria provided, multiple submitters, no conflicts (2 of 4 stars). 3 submissions from 3 submitters: Uncertain significance (3). Last evaluated 2023-04-10.

Conditions:
Arrhythmogenic right ventricular cardiomyopathy (ARVD). Also called: Arrhythmogenic cardiomyopathy; Cardiomyopathy, ARVC; Arrhythmogenic right ventricular dysplasia; Arrhythmogenic Right Ventricular Cardiomyopathy (ARVC). Identifiers: Orphanet 247, MedGen C0349788, MeSH D019571, MONDO:0016587. Disease mechanism: loss of function. Inheritance: Various modes of inheritance.
Cardiomyopathy (CMYO). Also called: Cardiomyopathies. Identifiers: Orphanet 167848, MedGen C0878544, MONDO:0004994, HP:0001638. Inheritance: Various modes of inheritance.
Arrhythmogenic right ventricular dysplasia 9 (ARVD9). Also called: Arrhythmogenic Right Ventricular Dysplasia/Cardiomyopathy 9; ARRHYTHMOGENIC RIGHT VENTRICULAR DYSPLASIA, FAMILIAL, 9. Identifiers: MedGen C1836906, MONDO:0012180, OMIM 609040.

Submissions (3):

All of Us Research Program, National Institutes of Health
Classification: Uncertain significance for Arrhythmogenic right ventricular cardiomyopathy. Last evaluated: 2023-04-10. Review status: criteria provided, single submitter. Criteria: ACMG Guidelines, 2015. Collection method: clinical testing. Allele origin: germline. Inheritance: Autosomal dominant inheritance. Observed: 1 variant allele, 1 heterozygote.
Comment: This variant causes a deletion of 1 amino acid in the PKP2 protein. To our knowledge, functional studies have not been performed for this variant. This variant has not been reported in individuals affected with cardiovascular disorders in the literature. This variant has not been identified in the general population by the Genome Aggregation Database (gnomAD). The available evidence is insufficient to determine the role of this variant in disease conclusively. Therefore, this variant is classified as a Variant of Uncertain Significance.

This study involves interpretation of variants in research participants for the purpose of population health screening. Participant phenotype was not available at the time of variant classification. Additional details can be found in publication PMID: 35346344, PMCID: PMC8962531

Color Diagnostics, LLC DBA Color Health
Classification: Uncertain significance for Cardiomyopathy. Last evaluated: 2023-03-10. Review status: criteria provided, single submitter. Criteria: ACMG Guidelines, 2015. Collection method: clinical testing. Allele origin: germline.
Comment: This variant causes a deletion of 1 amino acid in the PKP2 protein. To our knowledge, functional studies have not been performed for this variant. This variant has not been reported in individuals affected with cardiovascular disorders in the literature. This variant has not been identified in the general population by the Genome Aggregation Database (gnomAD). The available evidence is insufficient to determine the role of this variant in disease conclusively. Therefore, this variant is classified as a Variant of Uncertain Significance.

Labcorp Genetics (formerly Invitae), Labcorp
Classification: Uncertain significance for Arrhythmogenic right ventricular dysplasia 9. Last evaluated: 2020-02-06. Review status: criteria provided, single submitter. Criteria: Invitae Variant Classification Sherloc (09022015). Collection method: clinical testing. Allele origin: germline.
Comment: In summary, the available evidence is currently insufficient to determine the role of this variant in disease. Therefore, it has been classified as a Variant of Uncertain Significance. This variant, c.1732_1734del, results in the deletion of 1 amino acid(s) of the PKP2 protein (p.Arg578del), but otherwise preserves the integrity of the reading frame. This variant is not present in population databases (ExAC no frequency). This variant has not been reported in the literature in individuals with PKP2-related conditions. Experimental studies and prediction algorithms are not available or were not evaluated, and the functional significance of this variant is currently unknown.